The following is an entry in ClinVar:

NM_001122681.2(SH3BP2):c.20A>G (p.His7Arg)

Gene: SH3BP2 (SH3 domain binding protein 2; plus strand). Cytogenetic location: 4p16.3.
Variant type: single nucleotide variant.
Coding change: c.20A>G on transcript NM_001122681.2 (MANE Select); coding-DNA position 20, A replaced by G.
Protein change: p.His7Arg; replaces histidine 7 with arginine.
Molecular consequence: missense variant.
Genome position (GRCh38, 1-based): chr4:2,820,637, A>G. VCF-style: chr4-2820637-A-G. GRCh37 (hg19) VCF-style: chr4-2822364-A-G.
Other names: c.104A>G, p.His35Arg (NM_001145855.2); c.191A>G, p.His64Arg (NM_001145856.2); c.20A>G, p.His7Arg (NM_003023.4); short protein forms H35R, H64R, H7R.
Identifiers: ClinVar variation 3607915 (VCV003607915.2).

ClinVar aggregate classification (germline): Uncertain significance (1 of 4 stars; one submission).

Conditions:
Fibrous dysplasia of jaw (CRBM). Also called: Cherubism. Identifiers: Orphanet 184, MedGen C0008029, MONDO:0007315, OMIM 118400.

gnomAD v4.1: 2 of 1,614,138 alleles (0.00012%); highest among the groups gnomAD compares: South Asian, 0.0011%; no homozygotes.

Submission:

Labcorp Genetics (formerly Invitae), Labcorp
Classification: Uncertain significance for Fibrous dysplasia of jaw. Last evaluated: 2024-11-03. Review status: criteria provided, single submitter. Criteria: Invitae Variant Classification Sherloc (09022015). Collection method: clinical testing. Allele origin: germline.
Comment: This sequence change replaces histidine, which is basic and polar, with arginine, which is basic and polar, at codon 7 of the SH3BP2 protein (p.His7Arg). This variant is present in population databases (no rsID available, gnomAD 0.003%). This variant has not been reported in the literature in individuals affected with SH3BP2-related conditions. Invitae Evidence Modeling of protein sequence and biophysical properties (such as structural, functional, and spatial information, amino acid conservation, physicochemical variation, residue mobility, and thermodynamic stability) indicates that this missense variant is not expected to disrupt SH3BP2 protein function with a negative predictive value of 95%. In summary, the available evidence is currently insufficient to determine the role of this variant in disease. Therefore, it has been classified as a Variant of Uncertain Significance.